The following is an entry in ClinVar:

ClinVar aggregate classification (germline): Uncertain significance. Review status: criteria provided, multiple submitters, no conflicts (2 of 4 stars). 3 submissions from 3 submitters: Uncertain significance (3). Last evaluated 2026-01-19.

Conditions:
Inborn genetic diseases. Identifiers: MedGen C0950123, MeSH D030342.
Myopathy, centronuclear, 5 (CNM5). Identifiers: Orphanet 169186, MedGen C4014814, MONDO:0014418, OMIM 615959.

gnomAD v4.1: 10 of 1,421,434 alleles (0.0007%); highest among the groups gnomAD compares: African/African-American, 0.0015%; no homozygotes.

Submissions (3):

Labcorp Genetics (formerly Invitae), Labcorp
Classification: Uncertain significance. Last evaluated: 2026-01-19. Review status: criteria provided, single submitter. Criteria: Invitae Variant Classification Sherloc (09022015). Collection method: clinical testing. Allele origin: germline.
Comment: This sequence change replaces proline, which is neutral and non-polar, with histidine, which is basic and polar, at codon 542 of the SPEG protein (p.Pro542His). This variant is present in population databases (no rsID available, gnomAD 0.01%). This variant has not been reported in the literature in individuals affected with SPEG-related conditions. ClinVar contains an entry for this variant (Variation ID: 1449059). An algorithm developed to predict the effect of missense changes on protein structure and function (PolyPhen-2) suggests that this variant is likely to be disruptive. In summary, the available evidence is currently insufficient to determine the role of this variant in disease. Therefore, it has been classified as a Variant of Uncertain Significance.

Ambry Genetics
Classification: Uncertain significance for Inborn genetic diseases. Last evaluated: 2025-03-22. Review status: criteria provided, single submitter. Criteria: Ambry Variant Classification Scheme 2023. Collection method: clinical testing. Allele origin: germline.

Revvity Omics, Revvity
Classification: Uncertain significance for Myopathy, centronuclear, 5. Last evaluated: 2020-11-09. Review status: criteria provided, single submitter. Criteria: ACMG Guidelines, 2015. Collection method: clinical testing. Allele origin: germline.

NM_005876.5(SPEG):c.1625C>A (p.Pro542His)

Gene: SPEG (striated muscle enriched protein kinase; plus strand). Cytogenetic location: 2q35.
Variant type: single nucleotide variant.
Coding change: c.1625C>A on transcript NM_005876.5 (MANE Select); coding-DNA position 1625, C replaced by A.
Protein change: p.Pro542His; replaces proline 542 with histidine.
Molecular consequence: missense variant.
Genome position (GRCh38, 1-based): chr2:219,448,783, C>A. VCF-style: chr2-219448783-C-A. GRCh37 (hg19) VCF-style: chr2-220313505-C-A.
Other names: c.1625C>A (NM_005876.4); short protein forms P542H.
Identifiers: ClinVar variation 1449059 (VCV001449059.8), dbSNP rs927960851, ClinGen allele CA66004759.